The following is an entry in ClinVar:

ClinVar aggregate classification (germline): Uncertain significance (1 of 4 stars; one submission).

Allele frequency attached by ClinVar (database versions not stated): gnomAD 0.00001.
gnomAD v4.1: 1 of 1,612,990 alleles (0.000062%); highest among the groups gnomAD compares: African/African-American, 0.0013%; no homozygotes.

Submission:

Labcorp Genetics (formerly Invitae), Labcorp
Classification: Uncertain significance. Last evaluated: 2022-05-17. Review status: criteria provided, single submitter. Criteria: Invitae Variant Classification Sherloc (09022015). Collection method: clinical testing. Allele origin: germline.
Comment: This variant is not present in population databases (gnomAD no frequency). This sequence change replaces asparagine, which is neutral and polar, with lysine, which is basic and polar, at codon 678 of the ADGRA3 protein (p.Asn678Lys). This variant has not been reported in the literature in individuals affected with ADGRA3-related conditions. In summary, the available evidence is currently insufficient to determine the role of this variant in disease. Therefore, it has been classified as a Variant of Uncertain Significance. Algorithms developed to predict the effect of missense changes on protein structure and function (SIFT, PolyPhen-2, Align-GVGD) all suggest that this variant is likely to be tolerated.

NM_145290.4(ADGRA3):c.2034T>G (p.Asn678Lys)

Gene: ADGRA3 (adhesion G protein-coupled receptor A3; minus strand). Cytogenetic location: 4p15.2.
Variant type: single nucleotide variant.
Coding change: c.2034T>G on transcript NM_145290.4 (MANE Select); coding-DNA position 2034, T replaced by G.
Protein change: p.Asn678Lys; replaces asparagine 678 with lysine.
Molecular consequence: missense variant.
Genome position (GRCh38, 1-based): chr4:22,413,380, A>C on the plus strand (T>G on the coding strand, the complement: ADGRA3 is on the minus strand). VCF-style: chr4-22413380-A-C. GRCh37 (hg19) VCF-style: chr4-22415003-A-C.
Other names: short protein forms N678K.
Identifiers: ClinVar variation 1961530 (VCV001961530.5), dbSNP rs1715297196, ClinGen allele CA356479833.